The following is an entry in ClinVar:

ClinVar aggregate classification (germline): Conflicting classifications of pathogenicity. Review status: criteria provided, conflicting classifications (1 of 4 stars). 2 submissions from 2 submitters: Uncertain significance (1); Likely benign (1). Last evaluated 2026-04-02.

Conditions:
Spastic paraplegia. Identifiers: MedGen C0037772, HP:0001258.
X-linked hydrocephalus syndrome (HYCX). Also called: AQUEDUCTAL STENOSIS, X-LINKED; X-Linked Hydrocephalus with Stenosis of the Aqueduct of Sylvius; X-linked hydrocephalus; HYDROCEPHALUS, CONGENITAL, X-LINKED; X-Linked Hydrocephalus with Stenosis of the Aqueduct of Sylvius (HSAS). Identifiers: Orphanet 2182, MedGen C0265216, MONDO:0010611, OMIM 307000.

gnomAD v4.1: 1 of 1,208,855 alleles (0.000083%); highest among the groups gnomAD compares: African/African-American, 0.0018%; no homozygotes.

Submissions (2):

Centre for Medical Genetics,  Mumbai
Classification: Likely benign for X-linked hydrocephalus syndrome. Last evaluated: 2026-04-02. Review status: criteria provided, single submitter. Criteria: ACMG Guidelines, 2015. Collection method: provider interpretation. Allele origin: germline. Inheritance: X-linked recessive inheritance. Affected: no. Observed: 1 variant allele, 1 homozygote.
Comment: The variant satisfies PM2 criteria; Extremely low frequency in gnomAD population databases. The variant satisfies BP4 criteria; For a missense or a splice region variant, computational prediction tools unanimously support a benign effect on the gene. However, the variant satisfies BS2 criteria; present in homozygous state in an individual that clinically does not have Hydrocephalus, congenital, X-linked.

Labcorp Genetics (formerly Invitae), Labcorp
Classification: Uncertain significance for Spastic paraplegia. Last evaluated: 2024-11-13. Review status: criteria provided, single submitter. Criteria: Invitae Variant Classification Sherloc (09022015). Collection method: clinical testing. Allele origin: germline.
Comment: This sequence change replaces glutamic acid, which is acidic and polar, with glycine, which is neutral and non-polar, at codon 572 of the L1CAM protein (p.Glu572Gly). This variant is not present in population databases (gnomAD no frequency). This variant has not been reported in the literature in individuals affected with L1CAM-related conditions. Invitae Evidence Modeling of protein sequence and biophysical properties (such as structural, functional, and spatial information, amino acid conservation, physicochemical variation, residue mobility, and thermodynamic stability) indicates that this missense variant is not expected to disrupt L1CAM protein function with a negative predictive value of 95%. In summary, the available evidence is currently insufficient to determine the role of this variant in disease. Therefore, it has been classified as a Variant of Uncertain Significance.

Literature cited by the submitters: PubMed 1303258 (cited by Centre for Medical Genetics,  Mumbai).

NM_001278116.2(L1CAM):c.1715A>G (p.Glu572Gly)

Gene: L1CAM (L1 cell adhesion molecule; minus strand). Cytogenetic location: Xq28.
Variant type: single nucleotide variant.
Coding change: c.1715A>G on transcript NM_001278116.2 (MANE Select); coding-DNA position 1715, A replaced by G.
Protein change: p.Glu572Gly; replaces glutamic acid 572 with glycine.
Molecular consequence: missense variant.
Genome position (GRCh38, 1-based): chrX:153,868,111, T>C on the plus strand (A>G on the coding strand, the complement: L1CAM is on the minus strand). VCF-style: chrX-153868111-T-C. GRCh37 (hg19) VCF-style: chrX-153133566-T-C.
Other names: c.1715A>G, p.Glu572Gly (NM_000425.5, NM_024003.3); c.1700A>G, p.Glu567Gly (NM_001143963.2); short protein forms E572G, E567G.
Identifiers: ClinVar variation 3693434 (VCV003693434.3).